The following is an entry in ClinVar:

NM_024675.4(PALB2):c.1629G>C (p.Lys543Asn)

Gene: PALB2 (partner and localizer of BRCA2; minus strand). Cytogenetic location: 16p12.2.
Variant type: single nucleotide variant.
Coding change: c.1629G>C on transcript NM_024675.4 (MANE Select); coding-DNA position 1629, G replaced by C.
Protein change: p.Lys543Asn; replaces lysine 543 with asparagine.
Molecular consequence: missense variant.
Genome position (GRCh38, 1-based): chr16:23,634,917, C>G on the plus strand (G>C on the coding strand, the complement: PALB2 is on the minus strand). VCF-style: chr16-23634917-C-G. GRCh37 (hg19) VCF-style: chr16-23646238-C-G.
Other names: short protein forms K543N.
Identifiers: ClinVar variation 481157 (VCV000481157.12), dbSNP rs1274647317, ClinGen allele CA395130274.
Genomic context (GRCh38, chr16:23,634,917, plus strand): 5'-TTTACCTTTCACTTGAATAAATAATTTTTCGTGCTGATATTTGTGTGAGGTGACTTCTTC[C>G]TTGGACCTGTTAACAATCGACAGGCTAGAAGTTGGCAAAAGTGGTTCACAATGATCTGAT-3'
Protein context (NP_078951.2, residues 533-553): TSSLSIVNRS[Lys543Asn]EEVTSHKYQH

ClinVar aggregate classification (germline): Uncertain significance. Review status: criteria provided, multiple submitters, no conflicts (2 of 4 stars). 2 submissions from 2 submitters: Uncertain significance (2). Last evaluated 2025-03-20.

Conditions:
Hereditary cancer-predisposing syndrome. Also called: Hereditary Cancer Syndrome; Neoplastic Syndromes, Hereditary; Tumor predisposition; Hereditary neoplastic syndrome. Identifiers: Orphanet 140162, MedGen C0027672, MeSH D009386, MONDO:0015356.
Familial cancer of breast. Also called: BREAST CANCER, FAMILIAL; Hereditary breast cancer; hereditary breast carcinoma. Identifiers: Orphanet 227535, MedGen C0346153, MONDO:0016419, OMIM 114480. Disease mechanism: loss of function.

Allele frequency attached by ClinVar (database versions not stated): gnomAD exomes below 0.00001.
gnomAD v4.1: 1 of 1,614,084 alleles (0.000062%); highest among the groups gnomAD compares: Admixed American, 0.0017%; no homozygotes.

Submissions (2):

Labcorp Genetics (formerly Invitae), Labcorp
Classification: Uncertain significance for Familial cancer of breast. Last evaluated: 2025-03-20. Review status: criteria provided, single submitter. Criteria: Invitae Variant Classification Sherloc (09022015). Collection method: clinical testing. Allele origin: germline.
Comment: This sequence change replaces lysine, which is basic and polar, with asparagine, which is neutral and polar, at codon 543 of the PALB2 protein (p.Lys543Asn). This variant is present in population databases (no rsID available, gnomAD 0.003%). This variant has not been reported in the literature in individuals affected with PALB2-related conditions. ClinVar contains an entry for this variant (Variation ID: 481157). Invitae Evidence Modeling of protein sequence and biophysical properties (such as structural, functional, and spatial information, amino acid conservation, physicochemical variation, residue mobility, and thermodynamic stability) has been performed for this missense variant. However, the output from this modeling did not meet the statistical confidence thresholds required to predict the impact of this variant on PALB2 protein function. In summary, the available evidence is currently insufficient to determine the role of this variant in disease. Therefore, it has been classified as a Variant of Uncertain Significance.

Ambry Genetics
Classification: Uncertain significance for Hereditary cancer-predisposing syndrome. Last evaluated: 2023-10-26. Review status: criteria provided, single submitter. Criteria: Ambry Variant Classification Scheme 2023. Collection method: clinical testing. Allele origin: germline.
Comment: The p.K543N variant (also known as c.1629G>C), located in coding exon 4 of the PALB2 gene, results from a G to C substitution at nucleotide position 1629. The lysine at codon 543 is replaced by asparagine, an amino acid with similar properties. This amino acid position is poorly conserved in available vertebrate species. In addition, this alteration is predicted to be tolerated by in silico analysis. Since supporting evidence is limited at this time, the clinical significance of this alteration remains unclear.